The following is an entry in ClinVar:

ClinVar aggregate classification (germline): Conflicting classifications of pathogenicity. Review status: criteria provided, conflicting classifications (1 of 4 stars). 4 submissions from 4 submitters: Uncertain significance (1); Likely benign (2). 1 of the submissions does not count toward it. Last evaluated 2025-11-06.

Conditions:
HDAC4-related disorder. Also called: HDAC4-related condition.

Allele frequency attached by ClinVar (database versions not stated): ESP Exome Variant Server 0.00100; 1000 Genomes Project 30x 0.00031; 1000 Genomes Project 0.00040; ExAC 0.00042; gnomAD exomes 0.00047; gnomAD 0.00053 and 0.00055; TOPMed 0.00056.
gnomAD v4.1: 1,657 of 1,613,840 alleles (0.1%); highest among the groups gnomAD compares: Non-Finnish European, 0.14%; 2 homozygotes.

Submissions (4):

Labcorp Genetics (formerly Invitae), Labcorp
Classification: Likely benign. Last evaluated: 2025-11-06. Review status: criteria provided, single submitter. Criteria: Invitae Variant Classification Sherloc (09022015). Collection method: clinical testing. Allele origin: germline.

CeGaT Center for Human Genetics Tuebingen
Classification: Likely benign. Last evaluated: 2022-07-01. Review status: criteria provided, single submitter. Criteria: CeGaT Center For Human Genetics Tuebingen Variant Classification Criteria Version 2. Collection method: clinical testing. Allele origin: germline. Affected: yes. Observed: 1 variant allele.
Comment: HDAC4: BP4, BP7

Eurofins Ntd Llc (ga)
Classification: Uncertain significance. Last evaluated: 2016-12-01. Review status: criteria provided, single submitter. Criteria: EGL Classification Definitions 2015. Collection method: clinical testing. Allele origin: germline. Observed: 3 variant alleles, 3 heterozygotes.

PreventionGenetics, part of Exact Sciences
Classification: Likely benign for HDAC4-related condition. Last evaluated: 2019-07-29. Review status: no assertion criteria provided. Collection method: clinical testing. Allele origin: germline. Not counted in ClinVar's aggregate classification.
Comment: This variant is classified as likely benign based on ACMG/AMP sequence variant interpretation guidelines (Richards et al. 2015 PMID: 25741868, with internal and published modifications).

NM_001378414.1(HDAC4):c.3174C>T (p.Ala1058=)

Gene: HDAC4 (histone deacetylase 4; minus strand). Cytogenetic location: 2q37.3.
Variant type: single nucleotide variant.
Coding change: c.3174C>T on transcript NM_001378414.1 (MANE Select); coding-DNA position 3174, C replaced by T.
Protein change: p.Ala1058=; no amino-acid change (alanine 1058 retained).
Molecular consequence: synonymous variant.
Genome position (GRCh38, 1-based): chr2:239,053,516, G>A on the plus strand (C>T on the coding strand, the complement: HDAC4 is on the minus strand). VCF-style: chr2-239053516-G-A. GRCh37 (hg19) VCF-style: chr2-239975212-G-A.
Other names: c.3174C>T, p.Ala1058= (NM_001378415.1); c.3159C>T, p.Ala1053= (NM_001378416.1, NM_001378417.1, NM_006037.4).
Identifiers: ClinVar variation 195974 (VCV000195974.38), dbSNP rs142279745, ClinGen allele CA242701.